The following is an entry in ClinVar:

ClinVar aggregate classification (germline): Uncertain significance (1 of 4 stars; one submission).

gnomAD v4.1: 3 of 1,608,454 alleles (0.00019%); highest among the groups gnomAD compares: African/African-American, 0.004%; no homozygotes.

Submission:

Ambry Genetics
Classification: Uncertain significance. Last evaluated: 2025-08-20. Review status: criteria provided, single submitter. Criteria: Ambry Variant Classification Scheme 2023. Collection method: clinical testing. Allele origin: germline.
Comment: The p.L1449P variant (also known as c.4346T>C), located in coding exon 19 of the WNK2 gene, results from a T to C substitution at nucleotide position 4346. The leucine at codon 1449 is replaced by proline, an amino acid with similar properties. This amino acid position is conserved. In addition, this alteration is predicted to be tolerated by in silico analysis. Based on the available evidence, the clinical significance of this variant remains unclear.

NM_006648.4(WNK2):c.4346T>C (p.Leu1449Pro)

Gene: WNK2 (WNK lysine deficient protein kinase 2; plus strand). Cytogenetic location: 9q22.31.
Variant type: single nucleotide variant.
Coding change: c.4346T>C on transcript NM_006648.4 (MANE Select); coding-DNA position 4346, T replaced by C.
Protein change: p.Leu1449Pro; replaces leucine 1449 with proline.
Molecular consequence: missense variant.
Genome position (GRCh38, 1-based): chr9:93,289,100, T>C. VCF-style: chr9-93289100-T-C. GRCh37 (hg19) VCF-style: chr9-96051382-T-C.
Other names: c.4457T>C, p.Leu1486Pro (NM_001282394.3); short protein forms L1449P, L1486P.
Identifiers: ClinVar variation 4201789 (VCV004201789.1).